The following is an entry in ClinVar:

ClinVar aggregate classification (germline): Likely benign (0 of 4 stars; one submission).

Conditions:
UBR4-related disorder. Also called: UBR4-related condition.

Allele frequency attached by ClinVar (database versions not stated): ExAC 0.00002; TOPMed 0.00004; gnomAD 0.00005.
gnomAD v4.1: 34 of 1,613,482 alleles (0.0021%); highest among the groups gnomAD compares: African/African-American, 0.017%; no homozygotes.

Submission:

PreventionGenetics, part of Exact Sciences
Classification: Likely benign for UBR4-related condition. Last evaluated: 2019-04-01. Review status: no assertion criteria provided. Collection method: clinical testing. Allele origin: germline.
Comment: This variant is classified as likely benign based on ACMG/AMP sequence variant interpretation guidelines (Richards et al. 2015 PMID: 25741868, with internal and published modifications).

NM_020765.3(UBR4):c.14545-10G>A

Gene: UBR4 (ubiquitin protein ligase E3 component n-recognin 4; minus strand). Cytogenetic location: 1p36.13.
Variant type: single nucleotide variant.
Coding change: c.14545-10G>A on transcript NM_020765.3 (MANE Select); 10 bases into the intron before coding-DNA position 14545, G replaced by A.
Molecular consequence: intron variant.
Genome position (GRCh38, 1-based): chr1:19,086,831, C>T on the plus strand (G>A on the coding strand, the complement: UBR4 is on the minus strand). VCF-style: chr1-19086831-C-T. GRCh37 (hg19) VCF-style: chr1-19413325-C-T.
Identifiers: ClinVar variation 3057722 (VCV003057722.2), dbSNP rs770508433, ClinGen allele CA648175.